The following is an entry in ClinVar:

ClinVar aggregate classification (germline): Uncertain significance (1 of 4 stars; one submission).

Conditions:
Familial cancer of breast. Also called: BREAST CANCER, FAMILIAL; hereditary breast carcinoma; Hereditary breast cancer. Identifiers: Orphanet 227535, MedGen C0346153, MONDO:0016419, OMIM 114480. Disease mechanism: loss of function.

Submission:

Labcorp Genetics (formerly Invitae), Labcorp
Classification: Uncertain significance for Familial cancer of breast. Last evaluated: 2022-11-29. Review status: criteria provided, single submitter. Criteria: Invitae Variant Classification Sherloc (09022015). Collection method: clinical testing. Allele origin: germline.
Comment: This sequence change replaces lysine, which is basic and polar, with asparagine, which is neutral and polar, at codon 46 of the BARD1 protein (p.Lys46Asn). This variant is not present in population databases (gnomAD no frequency). This variant has not been reported in the literature in individuals affected with BARD1-related conditions. Algorithms developed to predict the effect of missense changes on protein structure and function output the following: SIFT: "Deleterious"; PolyPhen-2: "Benign"; Align-GVGD: "Class C0". The asparagine amino acid residue is found in multiple mammalian species, which suggests that this missense change does not adversely affect protein function. In summary, the available evidence is currently insufficient to determine the role of this variant in disease. Therefore, it has been classified as a Variant of Uncertain Significance.

NM_000465.4(BARD1):c.138G>C (p.Lys46Asn)

Gene: BARD1 (BRCA1 associated RING domain 1; minus strand). Cytogenetic location: 2q35.
Variant type: single nucleotide variant.
Coding change: c.138G>C on transcript NM_000465.4 (MANE Select); coding-DNA position 138, G replaced by C.
Protein change: p.Lys46Asn; replaces lysine 46 with asparagine.
Molecular consequence: missense variant. On other transcripts: non-coding transcript variant (3).
Genome position (GRCh38, 1-based): chr2:214,809,432, C>G on the plus strand (G>C on the coding strand, the complement: BARD1 is on the minus strand). VCF-style: chr2-214809432-C-G. GRCh37 (hg19) VCF-style: chr2-215674156-C-G.
Other names: c.138G>C, p.Lys46Asn (NM_001282543.2, NM_001282545.2, NM_001282548.2 and 1 more transcripts); short protein forms K46N.
Identifiers: ClinVar variation 2817477 (VCV002817477.3), dbSNP rs2106170906, ClinGen allele CA350464838.
Genomic context (GRCh38, chr2:214,809,432, plus strand): 5'-CCGTGCCCTCGCAGCCACCCCCAAGAAGCTCCGTCTTTACCAACGCGAGCAGCGCAGCAG[C>G]TTCTCCAGGCGGTCGAGCGCGGCGCGACTGTGGGCCCAGGCACCGCGACCATCCGGTTCC-3'
Protein context (NP_000456.2, residues 36-56): HSRAALDRLE[Lys46Asn]LLRCSRCTNI